The following is an entry in ClinVar:

NM_001083962.2(TCF4):c.550-22803C>T

Gene: TCF4 (transcription factor 4; minus strand). Cytogenetic location: 18q21.2.
Variant type: single nucleotide variant.
Coding change: c.550-22803C>T on transcript NM_001083962.2 (MANE Select); 22803 bases into the intron before coding-DNA position 550, C replaced by T.
Molecular consequence: intron variant. On other transcripts: missense variant (2).
Genome position (GRCh38, 1-based): chr18:55,302,459, G>A on the plus strand (C>T on the coding strand, the complement: TCF4 is on the minus strand). VCF-style: chr18-55302459-G-A. GRCh37 (hg19) VCF-style: chr18-52969690-G-A.
Other names: c.475-22803C>T (NM_001369585.1, NM_001369578.1, NM_001369581.1 and 3 more transcripts); c.478-22803C>T (NM_001369579.1, NM_001369583.1, NM_001369575.1 and 9 more transcripts); c.547-22803C>T (NM_001369573.1, NM_001369570.1, NM_001369569.1); c.550-22803C>T (NM_001369574.1, NM_001330604.3, NM_003199.3 and 4 more transcripts); c.26C>T, p.Ser9Leu (NM_001243236.2, NM_001348216.2); c.856-22803C>T (NM_001243226.3); c.550-22785C>T (NM_001243228.2); c.544-22803C>T (NM_001243230.2); and 6 more; short protein forms S9L.
Identifiers: ClinVar variation 1050097 (VCV001050097.2), dbSNP rs891060887, ClinGen allele CA301123486.
Genomic context (GRCh38, chr18:55,302,459, plus strand): 5'-GGAGACTCTGACCTTACCTCTGCTTTCCCTTCGTGGTCCAGGCAACATAGCCCTGTATCT[G>A]AGCATCTGCATTGTTTAAATTTCATCCTGTGGTGTTGTTTGCTGATTGGTCAGACATGGC-3'

ClinVar aggregate classification (germline): Uncertain significance. Review status: criteria provided, single submitter (1 of 4 stars). 2 submissions from 2 submitters: Uncertain significance (1). 1 of the submissions does not count toward it. Last evaluated 2024-11-25.

Conditions:
TCF4-related disorder. Also called: TCF4-related condition.

Allele frequency attached by ClinVar (database versions not stated): gnomAD 0.00002; gnomAD exomes 0.00003 and 0.00010; TOPMed 0.00004.
gnomAD v4.1: 137 of 1,536,088 alleles (0.0089%); highest among the groups gnomAD compares: Non-Finnish European, 0.012%; no homozygotes.

Submissions (2):

PreventionGenetics, part of Exact Sciences
Classification: Uncertain significance for TCF4-related condition. Last evaluated: 2024-11-25. Review status: criteria provided, single submitter. Criteria: ACMG Guidelines, 2015. Collection method: clinical testing. Allele origin: germline.
Comment: The TCF4 c.26C>T variant is predicted to result in the amino acid substitution p.Ser9Leu. This variant is a deep intronic variant in other transcripts (for example, NM_001243226.2:c.856-22803C>T). To our knowledge, this variant has not been reported in the literature. This variant is reported in 0.0075% of alleles in individuals of European (Non-Finnish) descent in gnomAD. At this time, the clinical significance of this variant is uncertain due to the absence of conclusive functional and genetic evidence.

Department of Pathology and Laboratory Medicine, Sinai Health System
Classification: Uncertain significance. Review status: no assertion criteria provided. Collection method: clinical testing. Allele origin: unknown. Affected: yes. Study: The Canadian Open Genetics Repository (COGR). Not counted in ClinVar's aggregate classification.
Comment: The TCF4 p.Ser9Leu variant was not identified in the literature nor was it identified in the ClinVar, Cosmic or LOVD 3.0 databases. The variant was identified in dbSNP (ID: rs891060887) and in control databases in 4 of 134788 chromosomes at a frequency of 0.00003 (Genome Aggregation Database Feb 27, 2017). The variant was observed in the following population: European (non-Finnish) in 4 of 53014 chromosomes (freq: 0.000075); it was not observed in the African, Latino, Ashkenazi Jewish, East Asian, European (Finnish), Other, and South Asian populations. The p.Ser9Leu residue is not conserved in mammals and four out of five computational analyses (PolyPhen-2, SIFT, AlignGVGD, MutationTaster) do not suggest a high likelihood of impact to the protein; however, this information is not predictive enough to rule out pathogenicity. In summary, based on the above information the clinical significance of this variant cannot be determined with certainty at this time. This variant is classified as a variant of uncertain significance.